The following is an entry in ClinVar:

ClinVar aggregate classification (germline): Likely benign (1 of 4 stars; one submission).

Allele frequency attached by ClinVar (database versions not stated): ExAC 0.00002; TOPMed 0.00002; gnomAD 0.00003.
gnomAD v4.1: 29 of 1,612,220 alleles (0.0018%); highest among the groups gnomAD compares: East Asian, 0.0067%; no homozygotes.

Submission:

CeGaT Center for Human Genetics Tuebingen
Classification: Likely benign. Last evaluated: 2023-05-01. Review status: criteria provided, single submitter. Criteria: CeGaT Center For Human Genetics Tuebingen Variant Classification Criteria Version 2. Collection method: clinical testing. Allele origin: germline. Affected: yes. Observed: 1 variant allele.
Comment: CELSR1: BP4

NM_001378328.1(CELSR1):c.8579C>T (p.Pro2860Leu)

Gene: CELSR1 (cadherin EGF LAG seven-pass G-type receptor 1; minus strand). Cytogenetic location: 22q13.31.
Variant type: single nucleotide variant.
Coding change: c.8579C>T on transcript NM_001378328.1 (MANE Select); coding-DNA position 8579, C replaced by T.
Protein change: p.Pro2860Leu; replaces proline 2860 with leucine.
Molecular consequence: missense variant.
Genome position (GRCh38, 1-based): chr22:46,364,712, G>A on the plus strand (C>T on the coding strand, the complement: CELSR1 is on the minus strand). VCF-style: chr22-46364712-G-A. GRCh37 (hg19) VCF-style: chr22-46760609-G-A.
Other names: c.8579C>T, p.Pro2860Leu (NM_014246.4); short protein forms P2860L.
Identifiers: ClinVar variation 2653307 (VCV002653307.24), dbSNP rs758304665, ClinGen allele CA10292725.